The following is an entry in ClinVar:

NM_022455.5(NSD1):c.2768A>G (p.Lys923Arg)

Gene: NSD1 (nuclear receptor binding SET domain protein 1; plus strand). Cytogenetic location: 5q35.3.
Variant type: single nucleotide variant.
Coding change: c.2768A>G on transcript NM_022455.5 (MANE Select); coding-DNA position 2768, A replaced by G.
Protein change: p.Lys923Arg; replaces lysine 923 with arginine.
Molecular consequence: missense variant.
Genome position (GRCh38, 1-based): chr5:177,211,167, A>G. VCF-style: chr5-177211167-A-G. GRCh37 (hg19) VCF-style: chr5-176638168-A-G.
Other names: c.1895A>G, p.Lys632Arg (NM_001365684.2, NM_001409306.1, NM_001409307.1 and 3 more transcripts); c.2768A>G, p.Lys923Arg (NM_001409301.1, NM_001409302.1, NM_001409303.1); c.2348A>G, p.Lys783Arg (NM_001409304.1); c.2015A>G, p.Lys672Arg (NM_001409305.1); short protein forms K632R, K923R, K783R, K672R.
Identifiers: ClinVar variation 3635072 (VCV003635072.3).

ClinVar aggregate classification (germline): Uncertain significance. Review status: criteria provided, multiple submitters, no conflicts (2 of 4 stars). 2 submissions from 2 submitters: Uncertain significance (2). Last evaluated 2025-07-31.

Conditions:
Inborn genetic diseases. Identifiers: MedGen C0950123, MeSH D030342.

gnomAD v4.1: 2 of 1,614,198 alleles (0.00012%); highest among the groups gnomAD compares: Admixed American, 0.0033%; no homozygotes.

Submissions (2):

Ambry Genetics
Classification: Uncertain significance for Inborn genetic diseases. Last evaluated: 2025-07-31. Review status: criteria provided, single submitter. Criteria: Ambry Variant Classification Scheme 2023. Collection method: clinical testing. Allele origin: germline.

Labcorp Genetics (formerly Invitae), Labcorp
Classification: Uncertain significance. Last evaluated: 2023-02-17. Review status: criteria provided, single submitter. Criteria: Invitae Variant Classification Sherloc (09022015). Collection method: clinical testing. Allele origin: germline.
Comment: This sequence change replaces lysine, which is basic and polar, with arginine, which is basic and polar, at codon 923 of the NSD1 protein (p.Lys923Arg). Advanced modeling of protein sequence and biophysical properties (such as structural, functional, and spatial information, amino acid conservation, physicochemical variation, residue mobility, and thermodynamic stability) has been performed at Invitae for this missense variant, however the output from this modeling did not meet the statistical confidence thresholds required to predict the impact of this variant on NSD1 protein function. In summary, the available evidence is currently insufficient to determine the role of this variant in disease. Therefore, it has been classified as a Variant of Uncertain Significance. This variant is present in population databases (rs778576635, gnomAD 0.003%). This variant has not been reported in the literature in individuals affected with NSD1-related conditions.